The following is an entry in ClinVar:

ClinVar aggregate classification (germline): Uncertain significance. Review status: criteria provided, multiple submitters, no conflicts (2 of 4 stars). 2 submissions from 2 submitters: Uncertain significance (2). Last evaluated 2023-05-23.

Conditions:
Inborn genetic diseases. Identifiers: MedGen C0950123, MeSH D030342.
Giant axonal neuropathy 1 (GAN1). Also called: GAN-Related Neurodegeneration; GIANT AXONAL NEUROPATHY 1, AUTOSOMAL RECESSIVE. Identifiers: Orphanet 643, MedGen C1850386, MONDO:0009749, OMIM 256850.

Allele frequency attached by ClinVar (database versions not stated): TOPMed 0.00001; gnomAD 0.00002; gnomAD exomes 0.00004 and 0.00008; ExAC 0.00008; 1000 Genomes Project 30x 0.00031; 1000 Genomes Project 0.00040.
gnomAD v4.1: 69 of 1,613,772 alleles (0.0043%); highest among the groups gnomAD compares: South Asian, 0.071%; 1 homozygote.

Submissions (2):

Ambry Genetics
Classification: Uncertain significance for Inborn genetic diseases. Last evaluated: 2023-05-23. Review status: criteria provided, single submitter. Criteria: Ambry Variant Classification Scheme 2023. Collection method: clinical testing. Allele origin: germline.

Labcorp Genetics (formerly Invitae), Labcorp
Classification: Uncertain significance for Giant axonal neuropathy 1. Last evaluated: 2022-08-21. Review status: criteria provided, single submitter. Criteria: Invitae Variant Classification Sherloc (09022015). Collection method: clinical testing. Allele origin: germline.
Comment: This sequence change replaces serine, which is neutral and polar, with leucine, which is neutral and non-polar, at codon 224 of the GAN protein (p.Ser224Leu). This variant is present in population databases (rs554667758, gnomAD 0.07%). This variant has not been reported in the literature in individuals affected with GAN-related conditions. ClinVar contains an entry for this variant (Variation ID: 966133). Algorithms developed to predict the effect of missense changes on protein structure and function (SIFT, PolyPhen-2, Align-GVGD) all suggest that this variant is likely to be tolerated. In summary, the available evidence is currently insufficient to determine the role of this variant in disease. Therefore, it has been classified as a Variant of Uncertain Significance.

NM_022041.4(GAN):c.671C>T (p.Ser224Leu)

Gene: GAN (gigaxonin; plus strand). Cytogenetic location: 16q23.2.
Variant type: single nucleotide variant.
Coding change: c.671C>T on transcript NM_022041.4 (MANE Select); coding-DNA position 671, C replaced by T.
Protein change: p.Ser224Leu; replaces serine 224 with leucine.
Molecular consequence: missense variant.
Genome position (GRCh38, 1-based): chr16:81,356,822, C>T. VCF-style: chr16-81356822-C-T. GRCh37 (hg19) VCF-style: chr16-81390427-C-T.
Other names: c.32C>T, p.Ser11Leu (NM_001377486.1); short protein forms S224L, S11L.
Identifiers: ClinVar variation 966133 (VCV000966133.8), dbSNP rs554667758, ClinGen allele CA8191448.